The following is an entry in ClinVar:

NM_001991.5(EZH1):c.1675C>T (p.Pro559Ser)

Gene: EZH1 (enhancer of zeste 1 polycomb repressive complex 2 subunit; minus strand). Cytogenetic location: 17q21.2.
Variant type: single nucleotide variant.
Coding change: c.1675C>T on transcript NM_001991.5 (MANE Select); coding-DNA position 1675, C replaced by T.
Protein change: p.Pro559Ser; replaces proline 559 with serine.
Molecular consequence: missense variant.
Genome position (GRCh38, 1-based): chr17:42,706,171, G>A on the plus strand (C>T on the coding strand, the complement: EZH1 is on the minus strand). VCF-style: chr17-42706171-G-A. GRCh37 (hg19) VCF-style: chr17-40858189-G-A.
Other names: c.1693C>T, p.Pro565Ser (NM_001321079.2); c.1648C>T, p.Pro550Ser (NM_001321081.2); c.1555C>T, p.Pro519Ser (NM_001321082.2); short protein forms P519S, P550S, P559S, P565S.
Identifiers: ClinVar variation 4686301 (VCV004686301.1).

ClinVar aggregate classification (germline): Uncertain significance (1 of 4 stars; one submission).

Submission:

GeneDx
Classification: Uncertain significance. Last evaluated: 2025-07-15. Review status: criteria provided, single submitter. Criteria: GeneDx Variant Classification Process June 2021. Collection method: clinical testing. Allele origin: germline. Affected: yes.
Comment: Not observed at significant frequency in large population cohorts (gnomAD); In silico analysis supports that this missense variant has a deleterious effect on protein structure/function; Has not been previously published as pathogenic or benign to our knowledge